The following is an entry in ClinVar:

ClinVar aggregate classification (germline): Uncertain significance. Review status: criteria provided, multiple submitters, no conflicts (2 of 4 stars). 2 submissions from 2 submitters: Uncertain significance (2). Last evaluated 2024-11-25.

Conditions:
Inborn genetic diseases. Identifiers: MedGen C0950123, MeSH D030342.
STING-associated vasculopathy with onset in infancy. Also called: Sting-associated vasculopathy, infantile-onset. Identifiers: Orphanet 425120, MedGen C4014722, MONDO:0014405, OMIM 615934.

Allele frequency attached by ClinVar (database versions not stated): TOPMed 0.00002; gnomAD 0.00002.
gnomAD v4.1: 4 of 1,614,090 alleles (0.00025%); highest among the groups gnomAD compares: African/African-American, 0.004%; no homozygotes.

Submissions (2):

Ambry Genetics
Classification: Uncertain significance for Inborn genetic diseases. Last evaluated: 2024-11-25. Review status: criteria provided, single submitter. Criteria: Ambry Variant Classification Scheme 2023. Collection method: clinical testing. Allele origin: germline.

Labcorp Genetics (formerly Invitae), Labcorp
Classification: Uncertain significance for STING-associated vasculopathy with onset in infancy. Last evaluated: 2022-09-06. Review status: criteria provided, single submitter. Criteria: Invitae Variant Classification Sherloc (09022015). Collection method: clinical testing. Allele origin: germline.
Comment: In summary, the available evidence is currently insufficient to determine the role of this variant in disease. Therefore, it has been classified as a Variant of Uncertain Significance. Algorithms developed to predict the effect of missense changes on protein structure and function output the following: SIFT: "Tolerated"; PolyPhen-2: "Benign"; Align-GVGD: "Class C0". The isoleucine amino acid residue is found in multiple mammalian species, which suggests that this missense change does not adversely affect protein function. This sequence change replaces threonine, which is neutral and polar, with isoleucine, which is neutral and non-polar, at codon 118 of the TMEM173 protein (p.Thr118Ile). This variant is present in population databases (no rsID available, gnomAD 0.01%). This variant has not been reported in the literature in individuals affected with TMEM173-related conditions. ClinVar contains an entry for this variant (Variation ID: 1680264).

NM_198282.4(STING1):c.353C>T (p.Thr118Ile)

Genes: STING1 (stimulator of interferon response cGAMP interactor 1; minus strand), LOC123522803 (Sharpr-MPRA regulatory region 11914; plus strand). Cytogenetic location: 5q31.2.
Variant type: single nucleotide variant.
Coding change: c.353C>T on transcript NM_198282.4 (MANE Select); coding-DNA position 353, C replaced by T.
Protein change: p.Thr118Ile; replaces threonine 118 with isoleucine.
Molecular consequence: missense variant. On other transcripts: 5 prime UTR variant (1).
Genome position (GRCh38, 1-based): chr5:139,481,217, G>A on the plus strand (C>T on the coding strand, the complement: STING1 is on the minus strand). VCF-style: chr5-139481217-G-A. GRCh37 (hg19) VCF-style: chr5-138860802-G-A.
Other names: c.353C>T (NM_198282.2); c.353C>T, p.Thr118Ile (NM_001301738.2); c.-5C>T (NM_001367258.1); short protein forms T118I.
Identifiers: ClinVar variation 1680264 (VCV001680264.9), dbSNP rs1358836126, ClinGen allele CA361481274.